The following is an entry in ClinVar:

NM_014714.4(IFT140):c.593G>C (p.Gly198Ala)

Genes: IFT140 (intraflagellar transport 140; minus strand), LOC105371046 (uncharacterized LOC105371046; plus strand). Cytogenetic location: 16p13.3.
Variant type: single nucleotide variant.
Coding change: c.593G>C on transcript NM_014714.4 (MANE Select); coding-DNA position 593, G replaced by C.
Protein change: p.Gly198Ala; replaces glycine 198 with alanine.
Molecular consequence: missense variant.
Genome position (GRCh38, 1-based): chr16:1,592,217, C>G on the plus strand (G>C on the coding strand, the complement: IFT140 is on the minus strand). VCF-style: chr16-1592217-C-G. GRCh37 (hg19) VCF-style: chr16-1642218-C-G.
Other names: short protein forms G198A.
Identifiers: ClinVar variation 860722 (VCV000860722.9), dbSNP rs983329531, ClinGen allele CA276685945.
Genomic context (GRCh38, chr16:1,592,217, plus strand): 5'-CACAACCAAAGTTCCTCACCGTCCATCAGACTGACAAAGAACAACAGCCCCTCGTGAGAC[C>G]CCATCTTCAGCAAACTTCCAGAACTGCTCTTCTTCCAGTTAAACATGTCCAGGGCTTTCT-3'
Protein context (NP_055529.2, residues 188-208): KSSSGSLLKM[Gly198Ala]SHEGLLFFVS

ClinVar aggregate classification (germline): Uncertain significance (1 of 4 stars; one submission).

Conditions:
Saldino-Mainzer syndrome (SRTD9). Also called: SHORT-RIB THORACIC DYSPLASIA 9 WITHOUT POLYDACTYLY; Renal dysplasia, retinal pigmentary dystrophy, cerebellar ataxia and skeletal dysplasia; short-rib thoracic dysplasia 9 with or without polydactyly; CONORENAL SYNDROME. Identifiers: Orphanet 140969, MedGen C1849437, MONDO:0009964, OMIM 266920.

Allele frequency attached by ClinVar (database versions not stated): gnomAD exomes below 0.00001; TOPMed 0.00002; gnomAD 0.00003 and 0.00004.
gnomAD v4.1: 5 of 1,614,054 alleles (0.00031%); highest among the groups gnomAD compares: African/African-American, 0.0067%; no homozygotes.

Submission:

Labcorp Genetics (formerly Invitae), Labcorp
Classification: Uncertain significance for Saldino-Mainzer syndrome. Last evaluated: 2020-11-24. Review status: criteria provided, single submitter. Criteria: Invitae Variant Classification Sherloc (09022015). Collection method: clinical testing. Allele origin: germline.
Comment: In summary, the available evidence is currently insufficient to determine the role of this variant in disease. Therefore, it has been classified as a Variant of Uncertain Significance. Algorithms developed to predict the effect of missense changes on protein structure and function (SIFT, PolyPhen-2, Align-GVGD) all suggest that this variant is likely to be tolerated, but these predictions have not been confirmed by published functional studies and their clinical significance is uncertain. This variant has not been reported in the literature in individuals with IFT140-related conditions. This variant is not present in population databases (ExAC no frequency). This sequence change replaces glycine with alanine at codon 198 of the IFT140 protein (p.Gly198Ala). The glycine residue is moderately conserved and there is a small physicochemical difference between glycine and alanine.